The following is an entry in ClinVar:

ClinVar aggregate classification (germline): Uncertain significance (1 of 4 stars; one submission).

gnomAD v4.1: 3 of 1,614,202 alleles (0.00019%); highest among the groups gnomAD compares: South Asian, 0.0011%; no homozygotes.

Submission:

Dasa
Classification: Uncertain significance. Last evaluated: 2026-08-06. Review status: criteria provided, single submitter. Criteria: DASA Assertion Criteria. Collection method: clinical testing. Allele origin: germline.
Comment: NM_014458.4(KLHL20):c.1051A>G (p.Met351Val) is a missense variant that results in the substitution of methionine with valine. This variant is rare in population databases. Computational prediction algorithms are consistent with a deleterious effect. The currently available literature and clinical evidence are not sufficient to establish a definitive association between this variant and the reported condition. Therefore, this variant is classified as a variant of uncertain significance.

NM_014458.4(KLHL20):c.1051A>G (p.Met351Val)

Gene: KLHL20 (kelch like family member 20; plus strand). Cytogenetic location: 1q25.1.
Variant type: single nucleotide variant.
Coding change: c.1051A>G on transcript NM_014458.4 (MANE Select); coding-DNA position 1051, A replaced by G.
Protein change: p.Met351Val; replaces methionine 351 with valine.
Molecular consequence: missense variant.
Genome position (GRCh38, 1-based): chr1:173,757,059, A>G. VCF-style: chr1-173757059-A-G. GRCh37 (hg19) VCF-style: chr1-173726198-A-G.
Other names: short protein forms M351V.
Identifiers: ClinVar variation 5020522 (VCV005020522.1).